The following is an entry in ClinVar:

ClinVar aggregate classification (germline): Likely pathogenic. Review status: criteria provided, single submitter (1 of 4 stars). 2 submissions from 2 submitters: Likely pathogenic (1). 1 of the submissions does not count toward it. Last evaluated 2022-11-04.

Conditions:
Atrial conduction disease. Identifiers: Orphanet 436242, MedGen CN221670, MONDO:0014500.

Submissions (2):

Labcorp Genetics (formerly Invitae), Labcorp
Classification: Likely pathogenic. Last evaluated: 2022-11-04. Review status: criteria provided, single submitter. Criteria: Invitae Variant Classification Sherloc (09022015). Collection method: clinical testing. Allele origin: germline.
Comment: This sequence change replaces threonine, which is neutral and polar, with alanine, which is neutral and non-polar, at codon 539 of the TNNI3K protein (p.Thr539Ala). In summary, the currently available evidence indicates that the variant is pathogenic, but additional data are needed to prove that conclusively. Therefore, this variant has been classified as Likely Pathogenic. Experimental studies have shown that this missense change affects TNNI3K function (PMID: 30010057, 31589606). Algorithms developed to predict the effect of missense changes on protein structure and function (SIFT, PolyPhen-2, Align-GVGD) all suggest that this variant is likely to be disruptive. ClinVar contains an entry for this variant (Variation ID: 590304). This missense change has been observed in individuals with clinical features of TNNI3K-related conditions (PMID: 25791106; Invitae). It has also been observed to segregate with disease in related individuals. This variant is not present in population databases (gnomAD no frequency).

OMIM
Classification: Pathogenic for CARDIAC CONDUCTION DISEASE WITH OR WITHOUT CARDIOMYOPATHY 1. Last evaluated: 2025-10-01. Review status: no assertion criteria provided. Collection method: literature only. Allele origin: germline. Not counted in ClinVar's aggregate classification.

Literature cited by the submitters: PubMed 30010057 (cited by Labcorp Genetics (formerly Invitae), Labcorp and OMIM); PubMed 31589606 (cited by Labcorp Genetics (formerly Invitae), Labcorp); PubMed 25791106 (cited by Labcorp Genetics (formerly Invitae), Labcorp and OMIM).

NM_015978.3(TNNI3K):c.1615A>G (p.Thr539Ala)

Genes: FPGT-TNNI3K (FPGT-TNNI3K readthrough; plus strand), TNNI3K (TNNI3 interacting kinase; plus strand). Cytogenetic location: 1p31.1.
Variant type: single nucleotide variant.
Coding change: c.1615A>G on transcript NM_015978.3 (MANE Select); coding-DNA position 1615, A replaced by G.
Protein change: p.Thr539Ala; replaces threonine 539 with alanine.
Molecular consequence: missense variant.
Genome position (GRCh38, 1-based): chr1:74,369,533, A>G. VCF-style: chr1-74369533-A-G. GRCh37 (hg19) VCF-style: chr1-74835217-A-G.
Other names: c.1918A>G, p.Thr640Ala (NM_001112808.3, NM_001199327.2); short protein forms T539A, T640A.
Identifiers: ClinVar variation 590304 (VCV000590304.9), dbSNP rs1662479663, ClinGen allele CA340786362.
Genomic context (GRCh38, chr1:74,369,533, plus strand): 5'-CCCTGCGTAATTCAGTTTGTGGGTGCTTGCTTGAATGATCCCAGCCAGTTTGCCATTGTC[A>G]CTCAATACATATCAGGGGGTTCTCTGTTCTCCCTCCTTCATGAGCAGAAGAGGTATGGGT-3'
Protein context (NP_057062.1, residues 529-549): LNDPSQFAIV[Thr539Ala]QYISGGSLFS